The following is an entry in ClinVar:

ClinVar aggregate classification (germline): Uncertain significance (1 of 4 stars; one submission).

Conditions:
Arrhythmogenic right ventricular dysplasia 10. Also called: Arrhythmogenic right ventricular dysplasia/cardiomyopathy, type 10; ARRHYTHMOGENIC RIGHT VENTRICULAR DYSPLASIA, FAMILIAL, 10; Arrhythmogenic Right Ventricular Dysplasia/Cardiomyopathy10. Identifiers: MedGen C1857777, MONDO:0012434, OMIM 610193.

Allele frequency attached by ClinVar (database versions not stated): gnomAD exomes below 0.00001; TOPMed below 0.00001; ExAC 0.00001; 1000 Genomes Project 30x 0.00016.

Submission:

Centre for Mendelian Genomics, University Medical Centre Ljubljana
Classification: Uncertain significance for Arrhythmogenic right ventricular dysplasia 10. Last evaluated: 2019-02-14. Review status: criteria provided, single submitter. Criteria: ACMG Guidelines, 2015. Collection method: clinical testing. Allele origin: unknown. Affected: yes.
Comment: This variant was classified as: Uncertain significance. The available evidence on this variant's pathogenicity is insufficient or conflicting. The following ACMG criteria were applied in classifying this variant: BP4.

NM_001943.5(DSG2):c.2836A>G (p.Met946Val)

Genes: DSG2-AS1 (DSG2 antisense RNA 1; minus strand), DSG2 (desmoglein 2; plus strand). Cytogenetic location: 18q12.1.
Variant type: single nucleotide variant.
Coding change: c.2836A>G on transcript NM_001943.5 (MANE Select); coding-DNA position 2836, A replaced by G.
Protein change: p.Met946Val; replaces methionine 946 with valine.
Molecular consequence: missense variant.
Genome position (GRCh38, 1-based): chr18:31,546,222, A>G. VCF-style: chr18-31546222-A-G. GRCh37 (hg19) VCF-style: chr18-29126185-A-G.
Other names: short protein forms M946V.
Identifiers: ClinVar variation 930382 (VCV000930382.3), dbSNP rs770026700, ClinGen allele CA047324.
Genomic context (GRCh38, chr18:31,546,222, plus strand): 5'-GACCCAATGGCTTCTAGAAATGTGATAGCAACAGAAACTTCCTATGTCACAGGGTCCACT[A>G]TGCCACCAACCACTGTGATCCTGGGTCCTAGCCAGCCACAGAGCCTTATTGTGACAGAGA-3'
Protein context (NP_001934.2, residues 936-956): TETSYVTGST[Met946Val]PPTTVILGPS